The following is an entry in ClinVar:

ClinVar aggregate classification (germline): Uncertain significance (1 of 4 stars; one submission).

Submission:

Greenwood Genetic Center Diagnostic Laboratories, Greenwood Genetic Center
Classification: Uncertain significance. Last evaluated: 2024-03-22. Review status: criteria provided, single submitter. Criteria: ACMG Guidelines, 2015. Collection method: clinical testing. Allele origin: germline. Affected: yes.
Comment: Gene of Uncertain Significance

NM_004673.4(ANGPTL1):c.128A>T (p.Lys43Ile)

Genes: ANGPTL1 (angiopoietin like 1; minus strand), RALGPS2 (Ral GEF with PH domain and SH3 binding motif 2; plus strand). Cytogenetic location: 1q25.2.
Variant type: single nucleotide variant.
Coding change: c.128A>T on transcript NM_004673.4 (MANE Select); coding-DNA position 128, A replaced by T.
Protein change: p.Lys43Ile; replaces lysine 43 with isoleucine.
Molecular consequence: missense variant. On other transcripts: intron variant (3).
Genome position (GRCh38, 1-based): chr1:178,865,649, T>A on the plus strand (A>T on the coding strand, the complement: ANGPTL1 is on the minus strand). VCF-style: chr1-178865649-T-A. GRCh37 (hg19) VCF-style: chr1-178834784-T-A.
Other names: c.128A>T, p.Lys43Ile (NM_001376763.1); c.608-11849T>A (NM_152663.5, NM_001400042.1, NM_001286247.2); short protein forms K43I.
Identifiers: ClinVar variation 3235812 (VCV003235812.1), dbSNP rs1558159985, ClinGen allele CA343528989.